The following is an entry in ClinVar:

NM_001161352.2(KCNMA1):c.2282C>T (p.Pro761Leu)

Genes: KCNMA1-AS1 (KCNMA1 antisense RNA 1; plus strand), KCNMA1 (potassium calcium-activated channel subfamily M alpha 1; minus strand). Cytogenetic location: 10q22.3.
Variant type: single nucleotide variant.
Coding change: c.2282C>T on transcript NM_001161352.2 (MANE Select); coding-DNA position 2282, C replaced by T.
Protein change: p.Pro761Leu; replaces proline 761 with leucine.
Molecular consequence: missense variant.
Genome position (GRCh38, 1-based): chr10:76,970,052, G>A on the plus strand (C>T on the coding strand, the complement: KCNMA1 is on the minus strand). VCF-style: chr10-76970052-G-A. GRCh37 (hg19) VCF-style: chr10-78729810-G-A.
Other names: c.2120C>T, p.Pro707Leu (NM_001014797.3, NM_001322835.2, NM_001322837.2); c.2108C>T, p.Pro703Leu (NM_001161353.2, NM_001322832.2, NM_002247.4); c.1958C>T, p.Pro653Leu (NM_001271518.2); c.2117C>T, p.Pro706Leu (NM_001271519.2, NM_001322829.2, NM_001322836.2); c.2129C>T, p.Pro710Leu (NM_001322830.2); c.1655C>T, p.Pro552Leu (NM_001322838.2); short protein forms P552L, P653L, P703L, P706L, P707L, P710L, P761L.
Identifiers: ClinVar variation 1191330 (VCV001191330.8), dbSNP rs771363378, ClinGen allele CA5568141.
Genomic context (GRCh38, chr10:76,970,052, plus strand): 5'-GTGTTGGGTGAGTTCCGCATGCCTCCATTCCGTTGCTTTTTTTTTGGTGATAGTGTTGAC[G>A]GCTGCTCATCTTCAACTGGAAATACAGGCAGCTCATGAGATTATGAACAGTTTGAGGGCA-3'
Protein context (NP_001154824.1, residues 751-771): TSFRAFEDEQ[Pro761Leu]STLSPKKKQR

ClinVar aggregate classification (germline): Uncertain significance. Review status: criteria provided, multiple submitters, no conflicts (2 of 4 stars). 3 submissions from 3 submitters: Uncertain significance (3). Last evaluated 2024-11-04.

Conditions:
Generalized epilepsy-paroxysmal dyskinesia syndrome (PNKD3). Also called: Paroxysmal nonkinesigenic dyskinesia, 3, with or without generalized epilepsy; Generalized epilepsy and paroxysmal dyskinesia. Identifiers: Orphanet 79137, MedGen C5574945, MONDO:0012276, OMIM 609446.
Liang-Wang syndrome. Identifiers: Orphanet 664438, MedGen C5231479, MONDO:0032886, OMIM 618729.

Allele frequency attached by ClinVar (database versions not stated): gnomAD exomes below 0.00001; TOPMed below 0.00001; ExAC 0.00001; gnomAD 0.00001.
gnomAD v4.1: 9 of 1,613,498 alleles (0.00056%); highest among the groups gnomAD compares: East Asian, 0.0022%; no homozygotes.

Submissions (3):

Labcorp Genetics (formerly Invitae), Labcorp
Classification: Uncertain significance for Generalized epilepsy-paroxysmal dyskinesia syndrome. Last evaluated: 2024-11-04. Review status: criteria provided, single submitter. Criteria: Invitae Variant Classification Sherloc (09022015). Collection method: clinical testing. Allele origin: germline.
Comment: This sequence change replaces proline, which is neutral and non-polar, with leucine, which is neutral and non-polar, at codon 703 of the KCNMA1 protein (p.Pro703Leu). This variant is present in population databases (rs771363378, gnomAD 0.006%). This missense change has been observed in individual(s) with epilepsy (PMID: 31069529). ClinVar contains an entry for this variant (Variation ID: 1191330). Invitae Evidence Modeling of protein sequence and biophysical properties (such as structural, functional, and spatial information, amino acid conservation, physicochemical variation, residue mobility, and thermodynamic stability) indicates that this missense variant is not expected to disrupt KCNMA1 protein function with a negative predictive value of 80%. In summary, the available evidence is currently insufficient to determine the role of this variant in disease. Therefore, it has been classified as a Variant of Uncertain Significance.

Breda Genetics srl
Classification: Uncertain significance for Liang-Wang syndrome. Last evaluated: 2021-06-29. Review status: criteria provided, single submitter. Criteria: ACMG Guidelines, 2015. Collection method: clinical testing. Allele origin: germline. Inheritance: Autosomal dominant inheritance. Affected: yes. Observed: 1 variant allele, 1 heterozygote.
Comment: The variant c.2282C>T (p.Pro761Leu) in the KCNMA1 gene is reported with an estimated allele frequency of 0.00000398 in gnomAD exomes, with no homozygous individuals reported. The nucleotide position is highly conserved across 35 mammalian species (GERP RS: 5.66). In silico analysis indicates that the variant might be damaging.

GeneDx
Classification: Uncertain significance. Last evaluated: 2020-10-05. Review status: criteria provided, single submitter. Criteria: GeneDx Variant Classification Process June 2021. Collection method: clinical testing. Allele origin: germline. Affected: yes.
Comment: Not observed at a significant frequency in large population cohorts (Lek et al., 2016); In silico analysis, which includes protein predictors and evolutionary conservation, supports a deleterious effect; Has not been previously published as pathogenic or benign to our knowledge

Literature cited by the submitters: PubMed 31069529 (cited by Labcorp Genetics (formerly Invitae), Labcorp).